The following is an entry in ClinVar:

ClinVar aggregate classification (germline): Likely benign. Review status: criteria provided, multiple submitters, no conflicts (2 of 4 stars). 5 submissions from 5 submitters: Likely benign (5). Last evaluated 2025-03-09.

Conditions:
Catecholaminergic polymorphic ventricular tachycardia (CVPT). Also called: Catecholamine-induced polymorphic ventricular tachycardia. Identifiers: Orphanet 3286, MedGen C5574922, MONDO:0017990.
Cardiovascular phenotype. Identifiers: MedGen CN230736.
Catecholaminergic polymorphic ventricular tachycardia 1. Also called: RYR2-Related Catecholaminergic Polymorphic Ventricular Tachycardia; VENTRICULAR TACHYCARDIA, CATECHOLAMINERGIC POLYMORPHIC, 1, WITH OR WITHOUT ATRIAL DYSFUNCTION AND/OR DILATED CARDIOMYOPATHY; VENTRICULAR TACHYCARDIA, STRESS-INDUCED POLYMORPHIC 1. Identifiers: Orphanet 3286, MedGen C1631597, MONDO:0011484, OMIM 604772.
Cardiomyopathy (CMYO). Also called: Cardiomyopathies. Identifiers: Orphanet 167848, MedGen C0878544, MONDO:0004994, HP:0001638. Inheritance: Various modes of inheritance.

Allele frequency attached by ClinVar (database versions not stated): gnomAD exomes below 0.00001; TOPMed below 0.00001.
gnomAD v4.1: 7 of 1,611,008 alleles (0.00043%); highest among the groups gnomAD compares: Admixed American, 0.0033%; no homozygotes.

Submissions (5):

Labcorp Genetics (formerly Invitae), Labcorp
Classification: Likely benign for Catecholaminergic polymorphic ventricular tachycardia 1. Last evaluated: 2025-03-09. Review status: criteria provided, single submitter. Criteria: Invitae Variant Classification Sherloc (09022015). Collection method: clinical testing. Allele origin: germline.

Ambry Genetics
Classification: Likely benign for Cardiovascular phenotype. Last evaluated: 2024-11-23. Review status: criteria provided, single submitter. Criteria: Ambry Variant Classification Scheme 2023. Collection method: clinical testing. Allele origin: germline.

All of Us Research Program, National Institutes of Health
Classification: Likely benign for Catecholaminergic polymorphic ventricular tachycardia. Last evaluated: 2024-01-11. Review status: criteria provided, single submitter. Criteria: ACMG Guidelines, 2015. Collection method: clinical testing. Allele origin: germline. Inheritance: Autosomal dominant inheritance. Observed: 2 variant alleles, 2 heterozygotes.
Comment: This study involves interpretation of variants in research participants for the purpose of population health screening. Participant phenotype was not available at the time of variant classification. Additional details can be found in publication PMID: 35346344, PMCID: PMC8962531

Color Diagnostics, LLC DBA Color Health
Classification: Likely benign for Cardiomyopathy. Last evaluated: 2023-11-15. Review status: criteria provided, single submitter. Criteria: ACMG Guidelines, 2015. Collection method: clinical testing. Allele origin: germline.

GeneDx
Classification: Likely benign. Last evaluated: 2016-11-09. Review status: criteria provided, single submitter. Criteria: GeneDx Variant Classification (06012015). Collection method: clinical testing. Allele origin: germline. Affected: yes.
Comment: This variant is considered likely benign or benign based on one or more of the following criteria: it is a conservative change, it occurs at a poorly conserved position in the protein, it is predicted to be benign by multiple in silico algorithms, and/or has population frequency not consistent with disease.

NM_001035.3(RYR2):c.13899C>T (p.Leu4633=)

Gene: RYR2 (ryanodine receptor 2; plus strand). Cytogenetic location: 1q43.
Variant type: single nucleotide variant.
Coding change: c.13899C>T on transcript NM_001035.3 (MANE Select); coding-DNA position 13899, C replaced by T.
Protein change: p.Leu4633=; no amino-acid change (leucine 4633 retained).
Molecular consequence: synonymous variant.
Genome position (GRCh38, 1-based): chr1:237,793,983, C>T. VCF-style: chr1-237793983-C-T. GRCh37 (hg19) VCF-style: chr1-237957283-C-T.
Other names: c.13899C>T, p.Leu4633= (LRG_402t1).
Identifiers: ClinVar variation 390728 (VCV000390728.16), dbSNP rs1057523875, ClinGen allele CA16603578.
Genomic context (GRCh38, chr1:237,793,983, plus strand): 5'-TGGGCTTTATATTACAGAACAGCCTTCAGAAGATGATATTAAAGGCCAGTGGGATAGACT[C>T]GTAATCAACACACAGTGAGTAAATAATTATATGAGACTTTCTGCACTCAAAAATTTCAGA-3'
Protein context (NP_001026.2, residues 4623-4643): EDDIKGQWDR[Leu4633=]VINTQSFPNN